The following is an entry in ClinVar:

ClinVar aggregate classification (germline): Pathogenic (1 of 4 stars; one submission).

Conditions:
Hyperinsulinemic hypoglycemia, familial, 1 (HHF1). Also called: HYPERINSULINISM, FAMILIAL, WITH PANCREATIC NESIDIOBLASTOSIS; HYPOGLYCEMIA, HYPERINSULINEMIC, OF INFANCY; NESIDIOBLASTOSIS OF PANCREAS; Persistent Hyperinsulinemia Hypoglycemia of Infancy; Persistent hyperinsulinemic hypoglycemia of infancy. Identifiers: Orphanet 276575, Orphanet 276598, MedGen C2931832, MONDO:0009734, OMIM 256450.

Submission:

Myriad Genetics, Inc.
Classification: Pathogenic for Hyperinsulinemic hypoglycemia, familial, 1. Last evaluated: 2023-09-27. Review status: criteria provided, single submitter. Criteria: Myriad Autosomal Dominant, Autosomal Recessive and X-Linked Classification Criteria (2023). Collection method: clinical testing. Allele origin: unknown.
Comment: NM_000352.3(ABCC8):c.1921dupG(V641Gfs*35) is expected to be pathogenic in the context of familial hyperinsulinism, ABCC8-related. This variant is predicted to lead to an abnormal or absent protein product due to the creation of a premature termination codon in ABCC8, a gene where loss-of-function variants are known to be pathogenic. Please note: this variant was assessed in the context of healthy population screening.

NM_000352.6(ABCC8):c.1921dup (p.Val641fs)

Gene: ABCC8 (ATP binding cassette subfamily C member 8; minus strand). Cytogenetic location: 11p15.1.
Variant type: Duplication.
Coding change: c.1921dup on transcript NM_000352.6 (MANE Select); coding-DNA position 1921, one base duplicated (G; older notation c.1921dupG).
Protein change: p.Val641fs; shifts the reading frame from valine 641.
Molecular consequence: frameshift variant. On other transcripts: non-coding transcript variant (1).
Genome position (GRCh38, 1-based): chr11:17,428,567, C duplicated on the plus strand (G on the coding strand, the reverse complement: ABCC8 is on the minus strand); the first of 2 consecutive C bases (chr11:17,428,567-17,428,568); duplicating either gives the same sequence. VCF-style (leftmost placement, unchanged base first): chr11-17428566-A-AC. GRCh37 (hg19) VCF-style: chr11-17450113-A-AC.
Other names: c.1921dup, p.Val641fs (NM_001287174.3, NM_001351295.2); c.1918dup, p.Val640fs (NM_001351296.2, NM_001351297.2); short protein forms V640fs, V641fs.
Identifiers: ClinVar variation 5011839 (VCV005011839.1).
Genomic context (GRCh38, chr11:17,428,566, plus strand): 5'-CCAAGTTTTGGGCCTTAGAGGACCATGCTGGGAGTAGCAAGGGGAGGCCGGGCACTCACC[A>AC]CCGCCTGGTACTTGCTGGCTGGGCCCTGAGGTGTGGGCTCATGGGGGGCACACTGCTCCT-3'